The following is an entry in ClinVar:

NM_020433.5(JPH2):c.1180G>A (p.Ala394Thr)

Gene: JPH2 (junctophilin 2; minus strand). Cytogenetic location: 20q13.12.
Variant type: single nucleotide variant.
Coding change: c.1180G>A on transcript NM_020433.5 (MANE Select); coding-DNA position 1180, G replaced by A.
Protein change: p.Ala394Thr; replaces alanine 394 with threonine.
Molecular consequence: missense variant.
Genome position (GRCh38, 1-based): chr20:44,118,613, C>T on the plus strand (G>A on the coding strand, the complement: JPH2 is on the minus strand). VCF-style: chr20-44118613-C-T. GRCh37 (hg19) VCF-style: chr20-42747253-C-T.
Other names: short protein forms A394T.
Identifiers: ClinVar variation 650735 (VCV000650735.11), dbSNP rs372515066, ClinGen allele CA9868706.
Genomic context (GRCh38, chr20:44,118,613, plus strand): 5'-TGTTGGACTCCTGGTTGGCAGCCAGGGCGGCCTGTTCCGCTGCCTCAGCTTTGGCCTTGG[C>T]GTGGCTTGTCCTATGGAGACAATGTGGCAGAAGACTCAGGATCCTTCCAGAGAACCAGCC-3'
Protein context (NP_065166.2, residues 384-404): AEIAASRTSH[Ala394Thr]KAKAEAAEQA

ClinVar aggregate classification (germline): Uncertain significance. Review status: criteria provided, multiple submitters, no conflicts (2 of 4 stars). 3 submissions from 3 submitters: Uncertain significance (3). Last evaluated 2025-03-19.

Conditions:
Cardiovascular phenotype. Identifiers: MedGen CN230736.
Hypertrophic cardiomyopathy. Also called: HYPERTROPHIC MYOCARDIOPATHY. Identifiers: Orphanet 217569, MedGen C0007194, MeSH D002312, MONDO:0005045, HP:0001639.

Allele frequency attached by ClinVar (database versions not stated): gnomAD exomes 0.00001; ExAC 0.00002; TOPMed 0.00002; gnomAD 0.00003; ESP Exome Variant Server 0.00008.
gnomAD v4.1: 16 of 1,609,882 alleles (0.00099%); highest among the groups gnomAD compares: Middle Eastern, 0.017%; no homozygotes.

Submissions (3):

Labcorp Genetics (formerly Invitae), Labcorp
Classification: Uncertain significance for Hypertrophic cardiomyopathy. Last evaluated: 2025-03-19. Review status: criteria provided, single submitter. Criteria: Invitae Variant Classification Sherloc (09022015). Collection method: clinical testing. Allele origin: germline.
Comment: This sequence change replaces alanine, which is neutral and non-polar, with threonine, which is neutral and polar, at codon 394 of the JPH2 protein (p.Ala394Thr). The frequency data for this variant in the population databases is considered unreliable, as metrics indicate poor data quality at this position in the gnomAD database. This variant has not been reported in the literature in individuals affected with JPH2-related conditions. ClinVar contains an entry for this variant (Variation ID: 650735). An algorithm developed to predict the effect of missense changes on protein structure and function (PolyPhen-2) suggests that this variant is likely to be tolerated. In summary, the available evidence is currently insufficient to determine the role of this variant in disease. Therefore, it has been classified as a Variant of Uncertain Significance.

GeneDx
Classification: Uncertain significance. Last evaluated: 2023-02-09. Review status: criteria provided, single submitter. Criteria: GeneDx Variant Classification Process June 2021. Collection method: clinical testing. Allele origin: germline. Affected: yes.
Comment: Not observed at significant frequency in large population cohorts (gnomAD); In silico analysis supports that this missense variant has a deleterious effect on protein structure/function; Has not been previously published as pathogenic or benign to our knowledge; This variant is associated with the following publications: (PMID: 35238659)

Ambry Genetics
Classification: Uncertain significance for Cardiovascular phenotype. Last evaluated: 2022-11-29. Review status: criteria provided, single submitter. Criteria: Ambry Variant Classification Scheme 2023. Collection method: clinical testing. Allele origin: germline.
Comment: The p.A394T variant (also known as c.1180G>A), located in coding exon 3 of the JPH2 gene, results from a G to A substitution at nucleotide position 1180. The alanine at codon 394 is replaced by threonine, an amino acid with similar properties. This variant was detected in an individual referred for hypertrophic cardiomyopathy genetic testing (van Lint FHM et al. Neth Heart J, 2019 Jun;27:304-309). This amino acid position is well conserved in available vertebrate species. In addition, the in silico prediction for this alteration is inconclusive. Since supporting evidence is limited at this time, the clinical significance of this alteration remains unclear.

Literature cited by the submitters: PubMed 28008999 (cited by Ambry Genetics); PubMed 30847666 (cited by Ambry Genetics).